The following is an entry in ClinVar:

ClinVar aggregate classification (germline): Uncertain significance. Review status: criteria provided, multiple submitters, no conflicts (2 of 4 stars). 2 submissions from 2 submitters: Uncertain significance (2). Last evaluated 2022-07-05.

Conditions:
Cohen syndrome (COH1). Also called: PEPPER SYNDROME; Cutis verticis gyrata, retinitis pigmentosa, and sensorineural deafness. Identifiers: Orphanet 193, MedGen C0265223, MONDO:0008999, OMIM 216550.

Allele frequency attached by ClinVar (database versions not stated): gnomAD 0.00001.
gnomAD v4.1: 1 of 1,614,048 alleles (0.000062%); highest among the groups gnomAD compares: African/African-American, 0.0013%; no homozygotes.

Submissions (2):

Labcorp Genetics (formerly Invitae), Labcorp
Classification: Uncertain significance for Cohen syndrome. Last evaluated: 2022-07-05. Review status: criteria provided, single submitter. Criteria: Invitae Variant Classification Sherloc (09022015). Collection method: clinical testing. Allele origin: germline.
Comment: In summary, the available evidence is currently insufficient to determine the role of this variant in disease. Therefore, it has been classified as a Variant of Uncertain Significance. Algorithms developed to predict the effect of sequence changes on RNA splicing suggest that this variant is not likely to affect RNA splicing. ClinVar contains an entry for this variant (Variation ID: 1062311). This variant has not been reported in the literature in individuals affected with VPS13B-related conditions. This variant is not present in population databases (gnomAD no frequency). This sequence change affects codon 402 of the VPS13B mRNA. It is a 'silent' change, meaning that it does not change the encoded amino acid sequence of the VPS13B protein. It affects a nucleotide within the consensus splice site.

Daryl Scott Lab, Baylor College of Medicine
Classification: Uncertain significance for Cohen syndrome. Review status: criteria provided, single submitter. Criteria: ACMG Guidelines, 2015. Collection method: clinical testing. Allele origin: maternal. Affected: yes. Observed: 1 compound heterozygote.
Comment: PM2, BP4

NM_152564.5(VPS13B):c.1206A>G (p.Lys402=)

Gene: VPS13B (vacuolar protein sorting 13 homolog B; plus strand). Cytogenetic location: 8q22.2.
Variant type: single nucleotide variant.
Coding change: c.1206A>G on transcript NM_152564.5 (MANE Select); coding-DNA position 1206, A replaced by G.
Protein change: p.Lys402=; no amino-acid change (lysine 402 retained).
Molecular consequence: synonymous variant. On other transcripts: non-coding transcript variant (1).
Genome position (GRCh38, 1-based): chr8:99,121,445, A>G. VCF-style: chr8-99121445-A-G. GRCh37 (hg19) VCF-style: chr8-100133673-A-G.
Other names: c.1206A>G, p.Lys402= (NM_015243.3, NM_017890.5, NM_181661.3).
Identifiers: ClinVar variation 1062311 (VCV001062311.8), dbSNP rs1847928125, ClinGen allele CA462464078.